The following is an entry in ClinVar:

ClinVar aggregate classification (germline): Benign/Likely benign. Review status: criteria provided, multiple submitters, no conflicts (2 of 4 stars). 5 submissions from 5 submitters: Benign (4); Likely benign (1). Last evaluated 2026-01-14.

Conditions:
EEF1A2-related disorder. Also called: EEF1A2-related disorders; EEF1A2-related condition.
Developmental and epileptic encephalopathy, 33 (DEE33). Also called: Epileptic encephalopathy, early infantile, 33. Identifiers: Orphanet 442835, MedGen C4225337, MONDO:0014625, OMIM 616409.

Allele frequency attached by ClinVar (database versions not stated): TOPMed 0.00002; gnomAD 0.00006; 1000 Genomes Project 0.00200; 1000 Genomes Project 30x 0.00219.
gnomAD v4.1: 853 of 1,609,874 alleles (0.053%); highest among the groups gnomAD compares: South Asian, 0.86%; 13 homozygotes.

Submissions (5):

PreventionGenetics, part of Exact Sciences
Classification: Benign for EEF1A2-related condition. Last evaluated: 2026-01-14. Review status: criteria provided, single submitter. Criteria: ACMG Guidelines, 2015. Collection method: clinical testing. Allele origin: germline.
Comment: This variant is classified as benign based on ACMG/AMP sequence variant interpretation guidelines (Richards et al. 2015 PMID: 25741868, with internal and published modifications).

Labcorp Genetics (formerly Invitae), Labcorp
Classification: Benign for Developmental and epileptic encephalopathy, 33. Last evaluated: 2026-01-08. Review status: criteria provided, single submitter. Criteria: Invitae Variant Classification Sherloc (09022015). Collection method: clinical testing. Allele origin: germline.

Blueprint Genetics
Classification: Likely benign. Last evaluated: 2024-11-27. Review status: criteria provided, single submitter. Criteria: ACMG Guidelines, 2015. Collection method: clinical testing. Allele origin: germline.

Athena Diagnostics
Classification: Benign. Last evaluated: 2024-10-31. Review status: criteria provided, single submitter. Criteria: Athena Diagnostics Criteria. Collection method: clinical testing. Allele origin: unknown.

GeneDx
Classification: Benign. Last evaluated: 2016-07-14. Review status: criteria provided, single submitter. Criteria: GeneDx Variant Classification (06012015). Collection method: clinical testing. Allele origin: germline. Affected: yes.
Comment: This variant is considered likely benign or benign based on one or more of the following criteria: it is a conservative change, it occurs at a poorly conserved position in the protein, it is predicted to be benign by multiple in silico algorithms, and/or has population frequency not consistent with disease.

NM_001958.5(EEF1A2):c.1030-10C>A

Gene: EEF1A2 (eukaryotic translation elongation factor 1 alpha 2; minus strand). Cytogenetic location: 20q13.33.
Variant type: single nucleotide variant.
Coding change: c.1030-10C>A on transcript NM_001958.5 (MANE Select); 10 bases into the intron before coding-DNA position 1030, C replaced by A.
Molecular consequence: intron variant.
Genome position (GRCh38, 1-based): chr20:63,489,162, G>T on the plus strand (C>A on the coding strand, the complement: EEF1A2 is on the minus strand). VCF-style: chr20-63489162-G-T. GRCh37 (hg19) VCF-style: chr20-62120515-G-T.
Identifiers: ClinVar variation 385915 (VCV000385915.15), dbSNP rs571276508, ClinGen allele CA9958968.